The following is an entry in ClinVar:

NM_001875.5(CPS1):c.25A>T (p.Lys9Ter)

Gene: CPS1 (carbamoyl-phosphate synthase 1; plus strand). Cytogenetic location: 2q34.
Variant type: single nucleotide variant.
Coding change: c.25A>T on transcript NM_001875.5 (MANE Select); coding-DNA position 25, A replaced by T.
Protein change: p.Lys9Ter; replaces lysine 9 with a stop codon.
Molecular consequence: nonsense. On other transcripts: non-coding transcript variant (1).
Genome position (GRCh38, 1-based): chr2:210,556,758, A>T. VCF-style: chr2-210556758-A-T. GRCh37 (hg19) VCF-style: chr2-211421482-A-T.
Other names: c.25A>T (LRG_336t1); c.25A>T, p.Lys9Ter (NM_001122633.3, NM_001369257.1); c.58A>T, p.Lys20Ter (NM_001369256.1); short protein forms K9*, K20*.
Identifiers: ClinVar variation 557751 (VCV000557751.5), dbSNP rs1553507167, ClinGen allele CA350432262.

ClinVar aggregate classification (germline): Pathogenic. Review status: criteria provided, single submitter (1 of 4 stars). 2 submissions from 2 submitters: Pathogenic (1). 1 of the submissions does not count toward it. Last evaluated 2024-01-16.

Conditions:
Congenital hyperammonemia, type I. Also called: Carbamoyl-phosphate synthase I deficiency; CPS I DEFICIENCY; Carbamoyl phosphate synthetase I deficiency disease; Carbamoyl phosphate synthetase 1 deficiency; Hyperammonemia due to carbamoyl phosphate synthetase 1 deficiency; CPS 1 deficiency. Identifiers: Orphanet 147, MedGen C4082171, MONDO:0009376, OMIM 237300.

Allele frequency attached by ClinVar (database versions not stated): gnomAD exomes below 0.00001.
gnomAD v4.1: 1 of 1,612,930 alleles (0.000062%); highest among the groups gnomAD compares: Middle Eastern, 0.017%; no homozygotes.

Submissions (2):

Labcorp Genetics (formerly Invitae), Labcorp
Classification: Pathogenic for Congenital hyperammonemia, type I. Last evaluated: 2024-01-16. Review status: criteria provided, single submitter. Criteria: Invitae Variant Classification Sherloc (09022015). Collection method: clinical testing. Allele origin: germline.
Comment: This sequence change creates a premature translational stop signal (p.Lys9*) in the CPS1 gene. It is expected to result in an absent or disrupted protein product. Loss-of-function variants in CPS1 are known to be pathogenic (PMID: 21120950). This variant is not present in population databases (gnomAD no frequency). This variant has not been reported in the literature in individuals affected with CPS1-related conditions. ClinVar contains an entry for this variant (Variation ID: 557751). For these reasons, this variant has been classified as Pathogenic.

Counsyl
Classification: Likely pathogenic for Congenital hyperammonemia, type I. Last evaluated: 2018-04-11. Review status: no assertion criteria provided. Collection method: clinical testing. Allele origin: unknown. Not counted in ClinVar's aggregate classification.

Literature cited by the submitters: PubMed 21120950 (cited by Labcorp Genetics (formerly Invitae), Labcorp).